The following is an entry in ClinVar:

ClinVar aggregate classification (germline): Uncertain significance (1 of 4 stars; one submission).

Conditions:
Charcot-Marie-Tooth disease type 4. Also called: Charcot-Marie-Tooth disease, type IV; Charcot-Marie-Tooth, Type 4. Identifiers: Orphanet 64749, MedGen C4082197, MONDO:0018995.

Submission:

Labcorp Genetics (formerly Invitae), Labcorp
Classification: Uncertain significance for Charcot-Marie-Tooth disease type 4. Last evaluated: 2020-01-31. Review status: criteria provided, single submitter. Criteria: Invitae Variant Classification Sherloc (09022015). Collection method: clinical testing. Allele origin: germline.
Comment: This sequence change replaces cysteine with tyrosine at codon 102 of the FGD4 protein (p.Cys102Tyr). The cysteine residue is moderately conserved and there is a large physicochemical difference between cysteine and tyrosine. This variant is not present in population databases (ExAC no frequency). This variant has not been reported in the literature in individuals with FGD4-related conditions. Algorithms developed to predict the effect of missense changes on protein structure and function (SIFT, PolyPhen-2, Align-GVGD) all suggest that this variant is likely to be tolerated, but these predictions have not been confirmed by published functional studies and their clinical significance is uncertain. In summary, the available evidence is currently insufficient to determine the role of this variant in disease. Therefore, it has been classified as a Variant of Uncertain Significance.

NM_001370298.3(FGD4):c.716G>A (p.Cys239Tyr)

Gene: FGD4 (FYVE, RhoGEF and PH domain containing 4; plus strand). Cytogenetic location: 12p11.21.
Variant type: single nucleotide variant.
Coding change: c.716G>A on transcript NM_001370298.3 (MANE Select); coding-DNA position 716, G replaced by A.
Protein change: p.Cys239Tyr; replaces cysteine 239 with tyrosine.
Molecular consequence: missense variant. On other transcripts: 5 prime UTR variant (2), non-coding transcript variant (1), intron variant (1).
Genome position (GRCh38, 1-based): chr12:32,582,172, G>A. VCF-style: chr12-32582172-G-A. GRCh37 (hg19) VCF-style: chr12-32735106-G-A.
Other names: c.560G>A, p.Cys187Tyr (NM_001304481.2); c.-540G>A (NM_001304483.2); c.-847G>A (NM_001304484.2); c.26G>A, p.Cys9Tyr (NM_001330373.2, NM_001330374.2, NM_001384130.1); c.716G>A, p.Cys239Tyr (NM_001384126.1); c.305G>A, p.Cys102Tyr (NM_001384127.1, NM_001384128.1, NM_001384131.1 and 3 more transcripts); c.49-16325G>A (NM_001370297.1); short protein forms C102Y, C187Y, C239Y, C9Y.
Identifiers: ClinVar variation 1012006 (VCV001012006.9), dbSNP rs1946667139, ClinGen allele CA384355973.